The following is an entry in ClinVar:

NM_000041.4(APOE):c.553C>A (p.Arg185Ser)

Gene: APOE (apolipoprotein E; plus strand). Cytogenetic location: 19q13.32.
Variant type: single nucleotide variant.
Coding change: c.553C>A on transcript NM_000041.4 (MANE Select); coding-DNA position 553, C replaced by A.
Protein change: p.Arg185Ser; replaces arginine 185 with serine.
Molecular consequence: missense variant.
Genome position (GRCh38, 1-based): chr19:44,908,849, C>A. VCF-style: chr19-44908849-C-A. GRCh37 (hg19) VCF-style: chr19-45412106-C-A.
Other names: c.631C>A, p.Arg211Ser (NM_001302688.2); c.553C>A, p.Arg185Ser (NM_001302689.2, NM_001302690.2, NM_001302691.2); short protein forms R211S, R185S.
Identifiers: ClinVar variation 4127090 (VCV004127090.1).

ClinVar aggregate classification (germline): Uncertain significance (1 of 4 stars; one submission).

Conditions:
Cardiovascular phenotype. Identifiers: MedGen CN230736.

Submission:

Ambry Genetics
Classification: Uncertain significance for Cardiovascular phenotype. Last evaluated: 2025-07-21. Review status: criteria provided, single submitter. Criteria: Ambry Variant Classification Scheme 2023. Collection method: clinical testing. Allele origin: germline.
Comment: The p.R185S variant (also known as c.553C>A), located in coding exon 3 of the APOE gene, results from a C to A substitution at nucleotide position 553. The arginine at codon 185 is replaced by serine, an amino acid with dissimilar properties. This amino acid position is conserved. In addition, this alteration is predicted to be tolerated by in silico analysis. Based on the available evidence, the clinical significance of this variant remains unclear.